The following is an entry in ClinVar:

NM_006206.6(PDGFRA):c.780G>T (p.Met260Ile)

Gene: PDGFRA (platelet derived growth factor receptor alpha; plus strand). Cytogenetic location: 4q12.
Variant type: single nucleotide variant.
Coding change: c.780G>T on transcript NM_006206.6 (MANE Select); coding-DNA position 780, G replaced by T.
Protein change: p.Met260Ile; replaces methionine 260 with isoleucine.
Molecular consequence: missense variant.
Genome position (GRCh38, 1-based): chr4:54,267,309, G>T. VCF-style: chr4-54267309-G-T. GRCh37 (hg19) VCF-style: chr4-55133476-G-T.
Other names: c.780G>T, p.Met260Ile (NM_001347827.2, NM_001347829.2); c.855G>T, p.Met285Ile (NM_001347828.2); c.819G>T, p.Met273Ile (NM_001347830.2); short protein forms M285I, M260I, M273I.
Identifiers: ClinVar variation 1363352 (VCV001363352.6), dbSNP rs2110264552, ClinGen allele CA356891094.

ClinVar aggregate classification (germline): Uncertain significance (1 of 4 stars; one submission).

Conditions:
Gastrointestinal stromal tumor. Also called: Gastrointestinal stroma tumor; Gastrointestinal stromal tumor, somatic. Identifiers: Orphanet 44890, MedGen C0238198, MeSH D046152, MONDO:0011719, OMIM 606764, HP:0100723.

Submission:

Labcorp Genetics (formerly Invitae), Labcorp
Classification: Uncertain significance for Gastrointestinal stromal tumor. Last evaluated: 2021-11-02. Review status: criteria provided, single submitter. Criteria: Invitae Variant Classification Sherloc (09022015). Collection method: clinical testing. Allele origin: germline.
Comment: Algorithms developed to predict the effect of missense changes on protein structure and function (SIFT, PolyPhen-2, Align-GVGD) all suggest that this variant is likely to be tolerated. This variant has not been reported in the literature in individuals affected with PDGFRA-related conditions. In summary, the available evidence is currently insufficient to determine the role of this variant in disease. Therefore, it has been classified as a Variant of Uncertain Significance. This variant is not present in population databases (gnomAD no frequency). This sequence change replaces methionine, which is neutral and non-polar, with isoleucine, which is neutral and non-polar, at codon 260 of the PDGFRA protein (p.Met260Ile).